The following is an entry in ClinVar:

ClinVar aggregate classification (germline): Pathogenic. Review status: criteria provided, multiple submitters, no conflicts (2 of 4 stars). 3 submissions from 2 submitters: Pathogenic (2). 1 of the submissions does not count toward it. Last evaluated 2023-10-04.

Conditions:
Retinitis pigmentosa 3. Also called: CHOROIDORETINAL DEGENERATION WITH RETINAL REFLEX IN HETEROZYGOUS WOMEN. Identifiers: Orphanet 791, MedGen C1845667, MONDO:0010227, OMIM 300029.
Retinal dystrophy. Also called: Inherited retinal dystrophy. Identifiers: Orphanet 71862, MedGen C0854723, MeSH D058499, MONDO:0019118, HP:0000556.
Primary ciliary dyskinesia. Also called: Ciliary dyskinesia. Identifiers: Orphanet 244, MedGen C0008780, MONDO:0016575, HP:0012265.

Submissions (3):

Labcorp Genetics (formerly Invitae), Labcorp
Classification: Pathogenic for Primary ciliary dyskinesia. Last evaluated: 2023-10-04. Review status: criteria provided, single submitter. Criteria: Invitae Variant Classification Sherloc (09022015). Collection method: clinical testing. Allele origin: germline.
Comment: This sequence change creates a premature translational stop signal (p.Gln793*) in the RPGR (ORF15) gene. While this is not anticipated to result in nonsense mediated decay, it is expected to disrupt the last 360 amino acid(s) of the RPGR (ORF15) protein. This variant is not present in population databases (gnomAD no frequency). This premature translational stop signal has been observed in individual(s) with inherited retinal dystrophy (PMID: 25356976, 34985506). ClinVar contains an entry for this variant (Variation ID: 866327). This variant disrupts a region of the RPGR (ORF15) protein in which other variant(s) (p.Leu1130Lysfs*13) have been determined to be pathogenic (PMID: 22264887; Invitae). This suggests that this is a clinically significant region of the protein, and that variants that disrupt it are likely to be disease-causing. For these reasons, this variant has been classified as Pathogenic.

Blueprint Genetics
Classification: Pathogenic for Retinal dystrophy. Last evaluated: 2019-04-02. Review status: criteria provided, single submitter. Criteria: Blueprint Genetics Variant Classification Scheme. Collection method: clinical testing. Allele origin: germline. Affected: yes.

Blueprint Genetics
Classification: Pathogenic for Retinitis pigmentosa 3. Review status: no assertion criteria provided. Collection method: clinical testing. Allele origin: germline. Affected: yes. Not counted in ClinVar's aggregate classification.

Literature cited by the submitters: PubMed 25356976 (cited by Labcorp Genetics (formerly Invitae), Labcorp); PubMed 34985506 (cited by Labcorp Genetics (formerly Invitae), Labcorp); PubMed 22264887 (cited by Labcorp Genetics (formerly Invitae), Labcorp).

NM_001034853.2(RPGR):c.2377C>T (p.Gln793Ter)

Gene: RPGR (retinitis pigmentosa GTPase regulator; minus strand). Cytogenetic location: Xp11.4.
Variant type: single nucleotide variant.
Coding change: c.2377C>T on transcript NM_001034853.2 (MANE Select); coding-DNA position 2377, C replaced by T.
Protein change: p.Gln793Ter; replaces glutamine 793 with a stop codon.
Molecular consequence: nonsense. On other transcripts: intron variant (8).
Genome position (GRCh38, 1-based): chrX:38,286,622, G>A on the plus strand (C>T on the coding strand, the complement: RPGR is on the minus strand). VCF-style: chrX-38286622-G-A. GRCh37 (hg19) VCF-style: chrX-38145875-G-A.
Other names: c.1569+4337C>T (NM_001367249.1, NM_001367250.1); c.1902+472C>T (NM_001367245.1); c.1386+4337C>T (NM_001367251.1); c.1719+472C>T (NM_001367246.1); c.1572+4337C>T (NM_001367247.1); c.1905+472C>T (NM_000328.3); c.1602+4337C>T (NM_001367248.1); short protein forms Q793*.
Identifiers: ClinVar variation 866327 (VCV000866327.5), dbSNP rs2067184023, ClinGen allele CA412730783.